The following is an entry in ClinVar:

NM_004491.5(ARHGAP35):c.2814dup (p.Lys939Ter)

Gene: ARHGAP35 (Rho GTPase activating protein 35; plus strand). Cytogenetic location: 19q13.32.
Variant type: Duplication.
Coding change: c.2814dup on transcript NM_004491.5 (MANE Select); coding-DNA position 2814, one base duplicated (T; older notation c.2814dupT).
Protein change: p.Lys939Ter; replaces lysine 939 with a stop codon.
Molecular consequence: nonsense.
Genome position (GRCh38, 1-based): chr19:46,921,489, T duplicated; the last of 6 consecutive T bases (chr19:46,921,484-46,921,489); duplicating any one gives the same sequence. VCF-style (leftmost placement, unchanged base first): chr19-46921483-A-AT. GRCh37 (hg19) VCF-style: chr19-47424740-A-AT.
Other names: short protein forms K939*.
Identifiers: ClinVar variation 2500753 (VCV002500753.2), dbSNP rs2514161964, ClinGen allele CA2573102943.

ClinVar aggregate classification (germline): Pathogenic (1 of 4 stars; one submission).

Conditions:
Neurodevelopmental disorder. Identifiers: MedGen C1535926, MeSH D065886, MONDO:0700092.

Submission:

Victorian Clinical Genetics Services, Murdoch Childrens Research Institute
Classification: Pathogenic for Neurodevelopmental disorder. Last evaluated: 2022-03-31. Review status: criteria provided, single submitter. Criteria: ACMG Guidelines, 2015. Collection method: clinical testing. Allele origin: germline. Inheritance: Autosomal dominant inheritance.
Comment: Based on the classification scheme VCGS_Germline_v1.3.4, this variant is classified as Pathogenic. Following criteria are met: 0102 - Loss of function is a known mechanism of disease in this gene and is associated with neurodevelopmental disorder, ARHGAP35-related (MONDO#0700092). (I) 0107 - This gene is associated with autosomal dominant disease. (I) 0201 - Variant is predicted to cause nonsense-mediated decay (NMD) and loss of protein (premature termination codon is located at least 54 nucleotides upstream of the final exon-exon junction). (SP) 0251 - This variant is heterozygous. (I) 0301 - Variant is absent from gnomAD (both v2 and v3). (SP) 0703 - Other NMD-predicted variants comparable to the one identified in this case have moderate previous evidence for pathogenicity. At least four other NMD-predicted variants have been reported de novo in individuals with developmental delay (PMID: 33057194). (SP) 0807 - This variant has no previous evidence of pathogenicity. (I) 0905 - No published segregation evidence has been identified for this variant. (I) 1007 - No published functional evidence has been identified for this variant. (SP) Legend: (SP) - Supporting pathogenic, (I) - Information, (SB) - Supporting benign

Literature cited by the submitters: PubMed 33057194.